The following is an entry in ClinVar:

NM_001943.5(DSG2):c.46A>G (p.Ile16Val)

Gene: DSG2 (desmoglein 2; plus strand). Cytogenetic location: 18q12.1.
Variant type: single nucleotide variant.
Coding change: c.46A>G on transcript NM_001943.5 (MANE Select); coding-DNA position 46, A replaced by G.
Protein change: p.Ile16Val; replaces isoleucine 16 with valine.
Molecular consequence: missense variant.
Genome position (GRCh38, 1-based): chr18:31,518,239, A>G. VCF-style: chr18-31518239-A-G. GRCh37 (hg19) VCF-style: chr18-29098202-A-G.
Other names: c.46A>G (LRG_397t1); short protein forms I16V.
Identifiers: ClinVar variation 426374 (VCV000426374.18), dbSNP rs376660601, ClinGen allele CA049000.

ClinVar aggregate classification (germline): Uncertain significance. Review status: criteria provided, multiple submitters, no conflicts (2 of 4 stars). 5 submissions from 5 submitters: Uncertain significance (5). Last evaluated 2024-11-26.

Conditions:
Cardiovascular phenotype. Identifiers: MedGen CN230736.
Arrhythmogenic right ventricular cardiomyopathy (ARVD). Also called: Cardiomyopathy, ARVC; Arrhythmogenic right ventricular dysplasia; Arrhythmogenic cardiomyopathy; Arrhythmogenic Right Ventricular Cardiomyopathy (ARVC). Identifiers: Orphanet 247, MedGen C0349788, MeSH D019571, MONDO:0016587. Disease mechanism: loss of function. Inheritance: Various modes of inheritance.
Cardiomyopathy (CMYO). Also called: Cardiomyopathies. Identifiers: Orphanet 167848, MedGen C0878544, MONDO:0004994, HP:0001638. Inheritance: Various modes of inheritance.
Arrhythmogenic right ventricular dysplasia 10. Also called: Arrhythmogenic right ventricular dysplasia/cardiomyopathy, type 10; Arrhythmogenic Right Ventricular Dysplasia/Cardiomyopathy10; ARRHYTHMOGENIC RIGHT VENTRICULAR DYSPLASIA, FAMILIAL, 10. Identifiers: MedGen C1857777, MONDO:0012434, OMIM 610193.

Allele frequency attached by ClinVar (database versions not stated): ExAC 0.00001; gnomAD 0.00001; ESP Exome Variant Server 0.00008; gnomAD exomes below 0.00001; TOPMed below 0.00001.

Submissions (5):

Labcorp Genetics (formerly Invitae), Labcorp
Classification: Uncertain significance for Arrhythmogenic right ventricular dysplasia 10. Last evaluated: 2024-11-26. Review status: criteria provided, single submitter. Criteria: Invitae Variant Classification Sherloc (09022015). Collection method: clinical testing. Allele origin: germline.
Comment: This sequence change replaces isoleucine, which is neutral and non-polar, with valine, which is neutral and non-polar, at codon 16 of the DSG2 protein (p.Ile16Val). This variant is present in population databases (rs376660601, gnomAD 0.0009%). This variant has not been reported in the literature in individuals affected with DSG2-related conditions. ClinVar contains an entry for this variant (Variation ID: 426374). Invitae Evidence Modeling of protein sequence and biophysical properties (such as structural, functional, and spatial information, amino acid conservation, physicochemical variation, residue mobility, and thermodynamic stability) indicates that this missense variant is not expected to disrupt DSG2 protein function with a negative predictive value of 95%. In summary, the available evidence is currently insufficient to determine the role of this variant in disease. Therefore, it has been classified as a Variant of Uncertain Significance.

All of Us Research Program, National Institutes of Health
Classification: Uncertain significance for Arrhythmogenic right ventricular cardiomyopathy. Last evaluated: 2024-07-29. Review status: criteria provided, single submitter. Criteria: ACMG Guidelines, 2015. Collection method: clinical testing. Allele origin: germline. Inheritance: Autosomal dominant inheritance. Observed: 1 variant allele, 1 heterozygote.
Comment: This missense variant replaces isoleucine with valine at codon 16 of the DSG2 protein. Computational prediction suggests that this variant may not impact protein structure and function (internally defined REVEL score threshold <= 0.5, PMID: 27666373). To our knowledge, functional studies have not been reported for this variant. This variant has not been reported in individuals affected with cardiovascular disorders in the literature. This variant has been identified in 1/249316 chromosomes in the general population by the Genome Aggregation Database (gnomAD). The available evidence is insufficient to determine the role of this variant in disease conclusively. Therefore, this variant is classified as a Variant of Uncertain Significance.

This study involves interpretation of variants in research participants for the purpose of population health screening. Participant phenotype was not available at the time of variant classification. Additional details can be found in publication PMID: 35346344, PMCID: PMC8962531

Color Diagnostics, LLC DBA Color Health
Classification: Uncertain significance for Cardiomyopathy. Last evaluated: 2023-07-31. Review status: criteria provided, single submitter. Criteria: ACMG Guidelines, 2015. Collection method: clinical testing. Allele origin: germline.
Comment: This missense variant replaces isoleucine with valine at codon 16 of the DSG2 protein. Computational prediction suggests that this variant may not impact protein structure and function (internally defined REVEL score threshold <= 0.5, PMID: 27666373). To our knowledge, functional studies have not been reported for this variant. This variant has not been reported in individuals affected with DSG2-related disorders in the literature. This variant has been identified in 1/249316 chromosomes in the general population by the Genome Aggregation Database (gnomAD). The available evidence is insufficient to determine the role of this variant in disease conclusively. Therefore, this variant is classified as a Variant of Uncertain Significance.

Ambry Genetics
Classification: Uncertain significance for Cardiovascular phenotype. Last evaluated: 2018-05-11. Review status: criteria provided, single submitter. Criteria: Ambry Variant Classification Scheme 2023. Collection method: clinical testing. Allele origin: germline.
Comment: The p.I16V variant (also known as c.46A>G) is located in coding exon 2 of the DSG2 gene. The isoleucine at codon 16 is replaced by valine, an amino acid with highly similar properties. This change occurs in the first base pair of coding exon 2. This amino acid position is not well conserved in available vertebrate species, and valine is the reference amino acid in other vertebrate species. In addition, this alteration is predicted to be tolerated by in silico analysis. Since supporting evidence is limited at this time, the clinical significance of this alteration remains unclear.

GeneDx
Classification: Uncertain significance. Last evaluated: 2017-04-19. Review status: criteria provided, single submitter. Criteria: GeneDx Variant Classification (06012015). Collection method: clinical testing. Allele origin: germline. Affected: yes.
Comment: The I16V variant has not been published as pathogenic or been reported as benign to our knowledge. It is not observed at a significant frequency in large population cohorts (Lek et al., 2016; 1000 Genomes Consortium et al., 2015; Exome Variant Server). This substitution occurs at a position where only amino acids with similar properties to isoleucine (I) are tolerated across species. However, the I16V variant is a conservative amino acid substitution, which is not likely to impact secondary protein structure as these residues share similar properties. Furthermore, in silico analysis predicts this variant likely does not alter the protein structure/function.